The following is an entry in ClinVar:

ClinVar aggregate classification (germline): Likely pathogenic (1 of 4 stars; one submission).

Conditions:
Dilated cardiomyopathy 1G (CMD1G). Identifiers: Orphanet 154, MedGen C1858763, MONDO:0011400, OMIM 604145.
Autosomal recessive limb-girdle muscular dystrophy type 2J (LGMDR10). Also called: Limb-girdle muscular dystrophy, type 2J; MUSCULAR DYSTROPHY, LIMB-GIRDLE, AUTOSOMAL RECESSIVE 10. Identifiers: Orphanet 140922, MedGen C1837342, MONDO:0012127, OMIM 608807.

Submission:

Labcorp Genetics (formerly Invitae), Labcorp
Classification: Likely pathogenic for Dilated cardiomyopathy 1G; Autosomal recessive limb-girdle muscular dystrophy type 2J. Last evaluated: 2024-08-05. Review status: criteria provided, single submitter. Criteria: Invitae Variant Classification Sherloc (09022015). Collection method: clinical testing. Allele origin: germline.
Comment: This sequence change creates a premature translational stop signal (p.Phe4650Serfs*12) in the TTN gene. While this is not anticipated to result in nonsense mediated decay, it is expected to create a truncated TTN protein. This variant is not present in population databases (gnomAD no frequency). This variant has not been reported in the literature in individuals affected with TTN-related conditions. Algorithms developed to predict the effect of sequence changes on RNA splicing suggest that this variant may disrupt the consensus splice site. This variant is located in the I band of TTN (PMID: 25589632). Truncating variants in this region have been reported in individuals affected with autosomal recessive centronuclear myopathy (PMID: 23975875, Invitae internal data). Truncating variants in this region have also been identified in individuals affected with autosomal dominant dilated cardiomyopathy and/or cardio-related conditions (PMID: 27869827, 32964742, Invitae internal data). In summary, the currently available evidence indicates that the variant is pathogenic, but additional data are needed to prove that conclusively. Therefore, this variant has been classified as Likely Pathogenic.

Literature cited by the submitters: PubMed 25589632; PubMed 23975875; PubMed 27869827; PubMed 32964742.

NM_001267550.2(TTN):c.13949del (p.Phe4650fs)

Gene: TTN (titin; minus strand). Cytogenetic location: 2q31.2.
Variant type: Deletion.
Coding change: c.13949del on transcript NM_001267550.2 (MANE Select); coding-DNA position 13949, one base deleted (T; older notation c.13949delT).
Protein change: p.Phe4650fs; shifts the reading frame from phenylalanine 4650.
Molecular consequence: frameshift variant. On other transcripts: intron variant (1).
Genome position (GRCh38, 1-based): chr2:178,739,284, A deleted on the plus strand (T on the coding strand, the reverse complement: TTN is on the minus strand); the first of 2 consecutive A bases (chr2:178,739,284-178,739,285); deleting either gives the same sequence. VCF-style (leftmost placement, unchanged base first): chr2-178739283-GA-G. GRCh37 (hg19) VCF-style: chr2-179604010-GA-G.
Other names: c.12998del, p.Phe4333fs (NM_001256850.1); c.12860del, p.Phe4287fs (NM_003319.4); c.13235del, p.Phe4412fs (NM_133432.3); c.13436del, p.Phe4479fs (NM_133437.4); c.10361-924del (NM_133378.4); short protein forms F4287fs, F4333fs, F4412fs, F4479fs, F4650fs.
Identifiers: ClinVar variation 3757539 (VCV003757539.2).